The following is an entry in ClinVar:

ClinVar aggregate classification (germline): Uncertain significance (1 of 4 stars; one submission).

gnomAD v4.1: 1 of 1,613,108 alleles (0.000062%); highest among the groups gnomAD compares: East Asian, 0.0022%; no homozygotes.

Submission:

CeGaT Center for Human Genetics Tuebingen
Classification: Uncertain significance. Last evaluated: 2026-03-01. Review status: criteria provided, single submitter. Criteria: CeGaT Center For Human Genetics Tuebingen Variant Classification Criteria Version 2. Collection method: clinical testing. Allele origin: germline. Affected: yes. Observed: 1 variant allele.
Comment: COL3A1: PVS1:Moderate, PM2:Supporting, PS4:Supporting

NM_000090.4(COL3A1):c.1455+1G>A

Gene: COL3A1 (collagen type III alpha 1 chain; plus strand). Cytogenetic location: 2q32.2.
Variant type: single nucleotide variant.
Coding change: c.1455+1G>A on transcript NM_000090.4 (MANE Select); the canonical splice donor site of the intron after coding-DNA position 1455, G replaced by A.
Molecular consequence: splice donor variant.
Genome position (GRCh38, 1-based): chr2:188,994,832, G>A. VCF-style: chr2-188994832-G-A. GRCh37 (hg19) VCF-style: chr2-189859558-G-A.
Identifiers: ClinVar variation 4823810 (VCV004823810.4).